The following is an entry in ClinVar:

ClinVar aggregate classification (germline): Uncertain significance. Review status: criteria provided, multiple submitters, no conflicts (2 of 4 stars). 2 submissions from 2 submitters: Uncertain significance (2). Last evaluated 2024-07-20.

Conditions:
Cardiovascular phenotype. Identifiers: MedGen CN230736.
Arrhythmogenic cardiomyopathy with wooly hair and keratoderma. Also called: Arrhythmogenic cardiomyopathy with woolly hair and keratoderma; Carvajal syndrome; Dilated cardiomyopathy with woolly hair and keratoderma; PALMOPLANTAR KERATODERMA WITH LEFT VENTRICULAR CARDIOMYOPATHY AND WOOLLY HAIR. Identifiers: Orphanet 65282, MedGen C1854063, MONDO:0011581, OMIM 605676.

Allele frequency attached by ClinVar (database versions not stated): gnomAD exomes below 0.00001.
gnomAD v4.1: 1 of 1,614,194 alleles (0.000062%); highest among the groups gnomAD compares: Non-Finnish European, 0.000085%; no homozygotes.

Submissions (2):

All of Us Research Program, National Institutes of Health
Classification: Uncertain significance for Arrhythmogenic cardiomyopathy with wooly hair and keratoderma. Last evaluated: 2024-07-20. Review status: criteria provided, single submitter. Criteria: ACMG Guidelines, 2015. Collection method: clinical testing. Allele origin: germline. Inheritance: Autosomal dominant inheritance. Observed: 1 variant allele, 1 heterozygote.
Comment: This missense variant replaces glutamic acid with glutamine at codon 973 of the DSP protein. Computational prediction is inconclusive regarding the impact of this variant on protein structure and function (internally defined REVEL score threshold 0.5 < inconclusive < 0.7, PMID: 27666373). To our knowledge, functional studies have not been reported for this variant. This variant has not been reported in individuals affected with DSP-related disorders in the literature. This variant has not been identified in the general population by the Genome Aggregation Database (gnomAD). The available evidence is insufficient to determine the role of this variant in disease conclusively. Therefore, this variant is classified as a Variant of Uncertain Significance.

This study involves interpretation of variants in research participants for the purpose of population health screening. Participant phenotype was not available at the time of variant classification. Additional details can be found in publication PMID: 35346344, PMCID: PMC8962531

Ambry Genetics
Classification: Uncertain significance for Cardiovascular phenotype. Last evaluated: 2019-07-19. Review status: criteria provided, single submitter. Criteria: Ambry Variant Classification Scheme 2023. Collection method: clinical testing. Allele origin: germline.
Comment: The p.E973Q variant (also known as c.2917G>C), located in coding exon 21 of the DSP gene, results from a G to C substitution at nucleotide position 2917. The glutamic acid at codon 973 is replaced by glutamine, an amino acid with highly similar properties. This amino acid position is highly conserved in available vertebrate species. In addition, the in silico prediction for this alteration is inconclusive. Since supporting evidence is limited at this time, the clinical significance of this alteration remains unclear.

NM_004415.4(DSP):c.2917G>C (p.Glu973Gln)

Gene: DSP (desmoplakin; plus strand). Cytogenetic location: 6p24.3.
Variant type: single nucleotide variant.
Coding change: c.2917G>C on transcript NM_004415.4 (MANE Select); coding-DNA position 2917, G replaced by C.
Protein change: p.Glu973Gln; replaces glutamic acid 973 with glutamine.
Molecular consequence: missense variant.
Genome position (GRCh38, 1-based): chr6:7,577,818, G>C. VCF-style: chr6-7577818-G-C. GRCh37 (hg19) VCF-style: chr6-7578051-G-C.
Other names: c.2917G>C, p.Glu973Gln (NM_001008844.3, NM_001319034.2); short protein forms E973Q.
Identifiers: ClinVar variation 1797643 (VCV001797643.3), dbSNP rs2533917192, ClinGen allele CA362682435.
Genomic context (GRCh38, chr6:7,577,818, plus strand): 5'-TTAAACTTCATTATGCTGCAGGATTATGAGCTCCAGCTGGCCTCATACACCTCAGGACTG[G>C]AAACTCTGCTGAACATACCTATCAAGAGGACCATGATTCAGTCCCCTTCTGGGGTGATTC-3'
Protein context (NP_004406.2, residues 963-983): LQLASYTSGL[Glu973Gln]TLLNIPIKRT